The following is an entry in ClinVar:

NM_004281.4(BAG3):c.682G>A (p.Ala228Thr)

Gene: BAG3 (BAG cochaperone 3; plus strand). Cytogenetic location: 10q26.11.
Variant type: single nucleotide variant.
Coding change: c.682G>A on transcript NM_004281.4 (MANE Select); coding-DNA position 682, G replaced by A.
Protein change: p.Ala228Thr; replaces alanine 228 with threonine.
Molecular consequence: missense variant.
Genome position (GRCh38, 1-based): chr10:119,672,429, G>A. VCF-style: chr10-119672429-G-A. GRCh37 (hg19) VCF-style: chr10-121431941-G-A.
Other names: short protein forms A228T.
Identifiers: ClinVar variation 4794955 (VCV004794955.1).

ClinVar aggregate classification (germline): Uncertain significance (1 of 4 stars; one submission).

Conditions:
Myofibrillar myopathy 6. Identifiers: Orphanet 199340, MedGen C2751831, MONDO:0013061, OMIM 612954.
Dilated cardiomyopathy 1HH (CMD1HH). Identifiers: Orphanet 154, MedGen C3151293, MONDO:0013479, OMIM 613881.

Submission:

Labcorp Genetics (formerly Invitae), Labcorp
Classification: Uncertain significance for Dilated cardiomyopathy 1HH; Myofibrillar myopathy 6. Last evaluated: 2025-08-25. Review status: criteria provided, single submitter. Criteria: Invitae Variant Classification Sherloc (09022015). Collection method: clinical testing. Allele origin: germline.
Comment: This sequence change replaces alanine, which is neutral and non-polar, with threonine, which is neutral and polar, at codon 228 of the BAG3 protein (p.Ala228Thr). This variant is not present in population databases (gnomAD no frequency). This variant has not been reported in the literature in individuals affected with BAG3-related conditions. Invitae Evidence Modeling of protein sequence and biophysical properties (such as structural, functional, and spatial information, amino acid conservation, physicochemical variation, residue mobility, and thermodynamic stability) indicates that this missense variant is not expected to disrupt BAG3 protein function with a negative predictive value of 80%. In summary, the available evidence is currently insufficient to determine the role of this variant in disease. Therefore, it has been classified as a Variant of Uncertain Significance.